The following is an entry in ClinVar:

ClinVar aggregate classification (germline): Uncertain significance (1 of 4 stars; one submission).

Conditions:
Arrhythmogenic right ventricular dysplasia 13. Also called: Arrhythmogenic right ventricular dysplasia, familial, 13; ARRHYTHMOGENIC RIGHT VENTRICULAR CARDIOMYOPATHY 13. Identifiers: MedGen C3810138, MONDO:0000908, OMIM 615616.

Submission:

Labcorp Genetics (formerly Invitae), Labcorp
Classification: Uncertain significance for Arrhythmogenic right ventricular dysplasia 13. Last evaluated: 2022-05-11. Review status: criteria provided, single submitter. Criteria: Invitae Variant Classification Sherloc (09022015). Collection method: clinical testing. Allele origin: germline.
Comment: This variant results in a copy number gain of the genomic region encompassing exon(s) 12-15 of the CTNNA3 gene. While the exact position of this variant cannot be determined from the data, sub-genic copy number gains are generally in tandem (PMID: 25640679). This variant is predicted to be in-frame, and likely preserves the integrity of the reading frame. This variant has not been reported in the literature in individuals affected with CTNNA3-related conditions. In summary, the available evidence is currently insufficient to determine the role of this variant in disease. Therefore, it has been classified as a Variant of Uncertain Significance.

Literature cited by the submitters: PubMed 25640679.

NC_000010.10:g.(?_67829046)_(68139130_?)dup

Gene: CTNNA3 (catenin alpha 3; minus strand). Cytogenetic location: 10q21.3.
Variant type: Duplication.
Identifiers: ClinVar variation 2425837 (VCV002425837.4).